The following is an entry in ClinVar:

NM_001376.5(DYNC1H1):c.13012G>A (p.Asp4338Asn)

Gene: DYNC1H1 (dynein cytoplasmic 1 heavy chain 1; plus strand). Cytogenetic location: 14q32.31.
Variant type: single nucleotide variant.
Coding change: c.13012G>A on transcript NM_001376.5 (MANE Select); coding-DNA position 13012, G replaced by A.
Protein change: p.Asp4338Asn; replaces aspartic acid 4338 with asparagine.
Molecular consequence: missense variant.
Genome position (GRCh38, 1-based): chr14:102,047,822, G>A. VCF-style: chr14-102047822-G-A. GRCh37 (hg19) VCF-style: chr14-102514159-G-A.
Other names: short protein forms D4338N.
Identifiers: ClinVar variation 2775679 (VCV002775679.4), dbSNP rs2503880408, ClinGen allele CA391045582.

ClinVar aggregate classification (germline): Uncertain significance. Review status: criteria provided, multiple submitters, no conflicts (2 of 4 stars). 2 submissions from 2 submitters: Uncertain significance (2). Last evaluated 2025-08-09.

Conditions:
Charcot-Marie-Tooth disease axonal type 2O. Also called: CHARCOT-MARIE-TOOTH NEUROPATHY, AXONAL, TYPE 2O; CHARCOT-MARIE-TOOTH DISEASE, AXONAL, AUTOSOMAL DOMINANT, TYPE 2O; Charcot-Marie-Tooth Neuropathy Type 2O; Charcot-Marie-Tooth disease, axonal, type 20. Identifiers: Orphanet 284232, MedGen C3280220, MONDO:0013644, OMIM 614228.
Inborn genetic diseases. Identifiers: MedGen C0950123, MeSH D030342.

Submissions (2):

Ambry Genetics
Classification: Uncertain significance for Inborn genetic diseases. Last evaluated: 2025-08-09. Review status: criteria provided, single submitter. Criteria: Ambry Variant Classification Scheme 2023. Collection method: clinical testing. Allele origin: germline.

Labcorp Genetics (formerly Invitae), Labcorp
Classification: Uncertain significance for Charcot-Marie-Tooth disease axonal type 2O. Last evaluated: 2024-03-15. Review status: criteria provided, single submitter. Criteria: Invitae Variant Classification Sherloc (09022015). Collection method: clinical testing. Allele origin: germline.
Comment: This sequence change replaces aspartic acid, which is acidic and polar, with asparagine, which is neutral and polar, at codon 4338 of the DYNC1H1 protein (p.Asp4338Asn). This variant is not present in population databases (gnomAD no frequency). This variant has not been reported in the literature in individuals affected with DYNC1H1-related conditions. Advanced modeling of protein sequence and biophysical properties (such as structural, functional, and spatial information, amino acid conservation, physicochemical variation, residue mobility, and thermodynamic stability) performed at Invitae indicates that this missense variant is not expected to disrupt DYNC1H1 protein function with a negative predictive value of 95%. In summary, the available evidence is currently insufficient to determine the role of this variant in disease. Therefore, it has been classified as a Variant of Uncertain Significance.